The following is an entry in ClinVar:

NM_003743.5(NCOA1):c.978C>A (p.Pro326=)

Gene: NCOA1 (nuclear receptor coactivator 1; plus strand). Cytogenetic location: 2p23.3.
Variant type: single nucleotide variant.
Coding change: c.978C>A on transcript NM_003743.5 (MANE Select); coding-DNA position 978, C replaced by A.
Protein change: p.Pro326=; no amino-acid change (proline 326 retained).
Molecular consequence: synonymous variant.
Genome position (GRCh38, 1-based): chr2:24,705,114, C>A. VCF-style: chr2-24705114-C-A. GRCh37 (hg19) VCF-style: chr2-24927983-C-A.
Other names: c.978C>A, p.Pro326= (NM_001362950.1, NM_001362952.1, NM_001362954.1 and 3 more transcripts).
Identifiers: ClinVar variation 4979503 (VCV004979503.1).

ClinVar aggregate classification (germline): Likely benign (1 of 4 stars; one submission).

Conditions:
NCOA1-related disorder. Also called: NCOA1-related condition.

Submission:

PreventionGenetics, part of Exact Sciences
Classification: Likely benign for NCOA1-related condition. Last evaluated: 2025-09-04. Review status: criteria provided, single submitter. Criteria: ACMG Guidelines, 2015. Collection method: clinical testing. Allele origin: germline.
Comment: This variant is classified as likely benign based on ACMG/AMP sequence variant interpretation guidelines (Richards et al. 2015 PMID: 25741868, with internal and published modifications).